The following is an entry in ClinVar:

NM_005120.3(MED12):c.3806C>T (p.Ser1269Phe)

Gene: MED12 (mediator complex subunit 12; plus strand). Cytogenetic location: Xq13.1.
Variant type: single nucleotide variant.
Coding change: c.3806C>T on transcript NM_005120.3 (MANE Select); coding-DNA position 3806, C replaced by T.
Protein change: p.Ser1269Phe; replaces serine 1269 with phenylalanine.
Molecular consequence: missense variant.
Genome position (GRCh38, 1-based): chrX:71,129,794, C>T. VCF-style: chrX-71129794-C-T. GRCh37 (hg19) VCF-style: chrX-70349644-C-T.
Other names: short protein forms S1269F.
Identifiers: ClinVar variation 4768336 (VCV004768336.2).

ClinVar aggregate classification (germline): Uncertain significance. Review status: criteria provided, multiple submitters, no conflicts (2 of 4 stars). 2 submissions from 2 submitters: Uncertain significance (2). Last evaluated 2025-03-10.

Conditions:
FG syndrome (FGS). Identifiers: MedGen C0220769, MONDO:0002010.

Submissions (2):

Labcorp Genetics (formerly Invitae), Labcorp
Classification: Uncertain significance for FG syndrome. Last evaluated: 2025-03-10. Review status: criteria provided, single submitter. Criteria: Invitae Variant Classification Sherloc (09022015). Collection method: clinical testing. Allele origin: germline.
Comment: This sequence change replaces serine, which is neutral and polar, with phenylalanine, which is neutral and non-polar, at codon 1269 of the MED12 protein (p.Ser1269Phe). This variant is present in population databases (no rsID available, gnomAD 0.001%). This variant has not been reported in the literature in individuals affected with MED12-related conditions. Invitae Evidence Modeling of protein sequence and biophysical properties (such as structural, functional, and spatial information, amino acid conservation, physicochemical variation, residue mobility, and thermodynamic stability) indicates that this missense variant is expected to disrupt MED12 protein function with a positive predictive value of 80%. In summary, the available evidence is currently insufficient to determine the role of this variant in disease. Therefore, it has been classified as a Variant of Uncertain Significance.

Blueprint Genetics
Classification: Uncertain significance. Last evaluated: 2023-11-13. Review status: criteria provided, single submitter. Criteria: ACMG Guidelines, 2015. Collection method: clinical testing. Allele origin: germline.